The following is an entry in ClinVar:

NM_001257291.2(SLC9A7):c.1626C>T (p.Val542=)

Gene: SLC9A7 (solute carrier family 9 member A7; minus strand). Cytogenetic location: Xp11.3.
Variant type: single nucleotide variant.
Coding change: c.1626C>T on transcript NM_001257291.2 (MANE Select); coding-DNA position 1626, C replaced by T.
Protein change: p.Val542=; no amino-acid change (valine 542 retained).
Molecular consequence: synonymous variant.
Genome position (GRCh38, 1-based): chrX:46,635,639, G>A on the plus strand (C>T on the coding strand, the complement: SLC9A7 is on the minus strand). VCF-style: chrX-46635639-G-A. GRCh37 (hg19) VCF-style: chrX-46495074-G-A.
Other names: c.1623C>T, p.Val541= (NM_032591.3).
Identifiers: ClinVar variation 2660389 (VCV002660389.24), dbSNP rs2519428244, ClinGen allele CA516240408.

ClinVar aggregate classification (germline): Likely benign (1 of 4 stars; one submission).

Allele frequency attached by ClinVar (database versions not stated): gnomAD exomes below 0.00001.
gnomAD v4.1: 3 of 1,209,219 alleles (0.00025%); highest among the groups gnomAD compares: East Asian, 0.003%; no homozygotes.

Submission:

CeGaT Center for Human Genetics Tuebingen
Classification: Likely benign. Last evaluated: 2022-08-01. Review status: criteria provided, single submitter. Criteria: CeGaT Center For Human Genetics Tuebingen Variant Classification Criteria Version 2. Collection method: clinical testing. Allele origin: germline. Affected: yes. Observed: 1 variant allele.
Comment: SLC9A7: PM2:Supporting, BP4, BP7